The following is an entry in ClinVar:

NM_001127644.2(GABRA1):c.75C>T (p.Ser25=)

Gene: GABRA1 (gamma-aminobutyric acid type A receptor subunit alpha1; plus strand). Cytogenetic location: 5q34.
Variant type: single nucleotide variant.
Coding change: c.75C>T on transcript NM_001127644.2 (MANE Select); coding-DNA position 75, C replaced by T.
Protein change: p.Ser25=; no amino-acid change (serine 25 retained).
Molecular consequence: synonymous variant.
Genome position (GRCh38, 1-based): chr5:161,854,158, C>T. VCF-style: chr5-161854158-C-T. GRCh37 (hg19) VCF-style: chr5-161281164-C-T.
Other names: c.75C>T, p.Ser25= (NM_000806.5, NM_001127643.2, NM_001127645.2 and 1 more transcripts).
Identifiers: ClinVar variation 579311 (VCV000579311.47), dbSNP rs75423500, ClinGen allele CA3544338.

ClinVar aggregate classification (germline): Conflicting classifications of pathogenicity. Review status: criteria provided, conflicting classifications (1 of 4 stars). 3 submissions from 3 submitters: Uncertain significance (1); Likely benign (2). Last evaluated 2025-10-20.

Conditions:
Inborn genetic diseases. Identifiers: MedGen C0950123, MeSH D030342.
Epilepsy, childhood absence 4 (ECA4). Also called: EPILEPSY, CHILDHOOD ABSENCE, SUSCEPTIBILITY TO, 4. Identifiers: Orphanet 307, MedGen C1970160.
Idiopathic generalized epilepsy. Also called: Generalised epilepsy; EIG. Identifiers: MedGen C0270850, MONDO:0005579, OMIM 600669.
Epilepsy, idiopathic generalized, susceptibility to, 13. Also called: EPILEPSY, JUVENILE MYOCLONIC, SUSCEPTIBILITY TO, 5. Identifiers: Orphanet 307, Orphanet 64280, MedGen C4013473, MONDO:0012627, OMIM 611136.

Allele frequency attached by ClinVar (database versions not stated): gnomAD 0.00002; gnomAD exomes 0.00003; ExAC 0.00004; ESP Exome Variant Server 0.00008.
gnomAD v4.1: 63 of 1,537,360 alleles (0.0041%); highest among the groups gnomAD compares: Non-Finnish European, 0.0055%; no homozygotes.

Submissions (3):

Labcorp Genetics (formerly Invitae), Labcorp
Classification: Uncertain significance for Epilepsy, childhood absence 4; Epilepsy, idiopathic generalized, susceptibility to, 13; Idiopathic generalized epilepsy. Last evaluated: 2025-10-20. Review status: criteria provided, single submitter. Criteria: Invitae Variant Classification Sherloc (09022015). Collection method: clinical testing. Allele origin: germline.
Comment: This sequence change affects codon 25 of the GABRA1 mRNA. It is a 'silent' change, meaning that it does not change the encoded amino acid sequence of the GABRA1 protein. It affects a nucleotide within the consensus splice site. This variant is present in population databases (rs75423500, gnomAD 0.007%). This variant has not been reported in the literature in individuals affected with GABRA1-related conditions. ClinVar contains an entry for this variant (Variation ID: 579311). Algorithms developed to predict the effect of sequence changes on RNA splicing suggest that this variant is not likely to affect RNA splicing. In summary, the available evidence is currently insufficient to determine the role of this variant in disease. Therefore, it has been classified as a Variant of Uncertain Significance.

Ambry Genetics
Classification: Likely benign for Inborn genetic diseases. Last evaluated: 2025-08-06. Review status: criteria provided, single submitter. Criteria: Ambry Variant Classification Scheme 2023. Collection method: clinical testing. Allele origin: germline.

CeGaT Center for Human Genetics Tuebingen
Classification: Likely benign. Last evaluated: 2021-07-01. Review status: criteria provided, single submitter. Criteria: CeGaT Center For Human Genetics Tuebingen Variant Classification Criteria Version 2. Collection method: clinical testing. Allele origin: germline. Affected: yes. Observed: 1 variant allele.